The following is an entry in ClinVar:

NM_000548.5(TSC2):c.1316A>G (p.Asp439Gly)

Gene: TSC2 (TSC complex subunit 2; plus strand). Cytogenetic location: 16p13.3.
Variant type: single nucleotide variant.
Coding change: c.1316A>G on transcript NM_000548.5 (MANE Select); coding-DNA position 1316, A replaced by G.
Protein change: p.Asp439Gly; replaces aspartic acid 439 with glycine.
Molecular consequence: missense variant.
Genome position (GRCh38, 1-based): chr16:2,062,555, A>G. VCF-style: chr16-2062555-A-G. GRCh37 (hg19) VCF-style: chr16-2112556-A-G.
Other names: c.1316A>G, p.Asp439Gly (NM_001077183.3, NM_001114382.3, NM_001363528.2 and 6 more transcripts); c.1205A>G, p.Asp402Gly (NM_001318827.2, NM_001406670.1, NM_001406678.1); c.1169A>G, p.Asp390Gly (NM_001318829.2, NM_001406675.1, NM_001406676.1 and 1 more transcripts); c.716A>G, p.Asp239Gly (NM_001318831.2, NM_001406680.1, NM_001406682.1 and 6 more transcripts); c.1349A>G, p.Asp450Gly (NM_001318832.2); c.1406A>G, p.Asp469Gly (NM_001406667.1, NM_001406668.1); c.1304A>G, p.Asp435Gly (NM_001406671.1, NM_001406673.1); c.1259A>G, p.Asp420Gly (NM_001406677.1); and 3 more; short protein forms D239G, D285G, D390G, D402G, D420G, D435G, D439G, D450G.
Identifiers: ClinVar variation 1710845 (VCV001710845.2), dbSNP rs2548546586, ClinGen allele CA394322302.

ClinVar aggregate classification (germline): Uncertain significance (1 of 4 stars; one submission).

Submission:

GeneDx
Classification: Uncertain significance. Last evaluated: 2022-04-12. Review status: criteria provided, single submitter. Criteria: GeneDx Variant Classification Process June 2021. Collection method: clinical testing. Allele origin: germline. Affected: yes.
Comment: Not observed at significant frequency in large population cohorts (gnomAD); In silico analysis supports that this missense variant has a deleterious effect on protein structure/function; Has not been previously published as pathogenic or benign to our knowledge